The following is an entry in ClinVar:

ClinVar aggregate classification (germline): Uncertain significance (1 of 4 stars; one submission).

Conditions:
SOS2-related disorder. Also called: SOS2-related condition.

Submission:

PreventionGenetics, part of Exact Sciences
Classification: Uncertain significance for SOS2-related condition. Last evaluated: 2026-05-03. Review status: criteria provided, single submitter. Criteria: ACMG Guidelines, 2015. Collection method: clinical testing. Allele origin: germline.
Comment: The SOS2 c.1764C>G variant is predicted to result in the amino acid substitution p.Asp588Glu. To our knowledge, this variant has not been reported in the literature or in a large population database (gnomAD), indicating this variant is rare. At this time, the clinical significance of this variant is uncertain due to the absence of conclusive functional and genetic evidence.

NM_006939.4(SOS2):c.1764C>G (p.Asp588Glu)

Gene: SOS2 (SOS Ras/Rho guanine nucleotide exchange factor 2; minus strand). Cytogenetic location: 14q21.3.
Variant type: single nucleotide variant.
Coding change: c.1764C>G on transcript NM_006939.4 (MANE Select); coding-DNA position 1764, C replaced by G.
Protein change: p.Asp588Glu; replaces aspartic acid 588 with glutamic acid.
Molecular consequence: missense variant.
Genome position (GRCh38, 1-based): chr14:50,159,519, G>C on the plus strand (C>G on the coding strand, the complement: SOS2 is on the minus strand). VCF-style: chr14-50159519-G-C. GRCh37 (hg19) VCF-style: chr14-50626237-G-C.
Other names: c.1665C>G, p.Asp555Glu (NM_001411020.1); short protein forms D555E, D588E.
Identifiers: ClinVar variation 3353423 (VCV003353423.2).